The following is an entry in ClinVar:

NM_012428.4(NPTN):c.409C>T (p.Arg137Ter)

Gene: NPTN (neuroplastin; minus strand). Cytogenetic location: 15q24.1.
Variant type: single nucleotide variant.
Coding change: c.409C>T on transcript NM_012428.4 (MANE Select); coding-DNA position 409, C replaced by T.
Protein change: p.Arg137Ter; replaces arginine 137 with a stop codon.
Molecular consequence: nonsense. On other transcripts: intron variant (2).
Genome position (GRCh38, 1-based): chr15:73,597,052, G>A on the plus strand (C>T on the coding strand, the complement: NPTN is on the minus strand). VCF-style: chr15-73597052-G-A. GRCh37 (hg19) VCF-style: chr15-73889393-G-A.
Other names: c.409C>T, p.Arg137Ter (NM_001161363.2); c.92-4915C>T (NM_001161364.2, NM_017455.4); short protein forms R137*.
Identifiers: ClinVar variation 4819142 (VCV004819142.1).

ClinVar aggregate classification (germline): Pathogenic (1 of 4 stars; one submission).

Conditions:
NPTN-associated neurodevelopmental disorder.

Submission:

Institute of Human Genetics, University of Leipzig Medical Center
Classification: Pathogenic for NPTN-associated neurodevelopmental disorder. Last evaluated: 2026-02-02. Review status: criteria provided, single submitter. Criteria: ACMG Guidelines, 2015. Collection method: clinical testing. Allele origin: unknown. Inheritance: Autosomal dominant inheritance. Affected: yes.
Comment: Criteria applied: PVS1,PM2

Literature cited by the submitters: DOI 10.21203/rs.3.rs-8079156/v1.